The following is an entry in ClinVar:

ClinVar aggregate classification (germline): Uncertain significance (1 of 4 stars; one submission).

Conditions:
Hereditary sensory and autonomic neuropathy type 7. Also called: HSAN VII; Neuropathy, hereditary sensory and autonomic, type VII. Identifiers: Orphanet 391397, MedGen C3809882, MONDO:0014244, OMIM 615548.
Familial episodic pain syndrome with predominantly lower limb involvement. Also called: Episodic pain syndrome, familial, 3. Identifiers: Orphanet 391384, Orphanet 391392, MedGen C3809899, MONDO:0014247, OMIM 615552.

Submission:

Labcorp Genetics (formerly Invitae), Labcorp
Classification: Uncertain significance for Familial episodic pain syndrome with predominantly lower limb involvement; Hereditary sensory and autonomic neuropathy type 7. Last evaluated: 2022-08-30. Review status: criteria provided, single submitter. Criteria: Invitae Variant Classification Sherloc (09022015). Collection method: clinical testing. Allele origin: germline.
Comment: In summary, the available evidence is currently insufficient to determine the role of this variant in disease. Therefore, it has been classified as a Variant of Uncertain Significance. Algorithms developed to predict the effect of missense changes on protein structure and function are either unavailable or do not agree on the potential impact of this missense change (SIFT: "Deleterious"; PolyPhen-2: "Possibly Damaging"; Align-GVGD: "Class C0"). This variant has not been reported in the literature in individuals affected with SCN11A-related conditions. This variant is not present in population databases (gnomAD no frequency). This sequence change replaces threonine, which is neutral and polar, with proline, which is neutral and non-polar, at codon 1581 of the SCN11A protein (p.Thr1581Pro).

NM_001349253.2(SCN11A):c.4741A>C (p.Thr1581Pro)

Gene: SCN11A (sodium voltage-gated channel alpha subunit 11; minus strand). Cytogenetic location: 3p22.2.
Variant type: single nucleotide variant.
Coding change: c.4741A>C on transcript NM_001349253.2 (MANE Select); coding-DNA position 4741, A replaced by C.
Protein change: p.Thr1581Pro; replaces threonine 1581 with proline.
Molecular consequence: missense variant.
Genome position (GRCh38, 1-based): chr3:38,847,329, T>G on the plus strand (A>C on the coding strand, the complement: SCN11A is on the minus strand). VCF-style: chr3-38847329-T-G. GRCh37 (hg19) VCF-style: chr3-38888820-T-G.
Other names: c.4741A>C, p.Thr1581Pro (NM_014139.3); short protein forms T1581P.
Identifiers: ClinVar variation 1718336 (VCV001718336.5), dbSNP rs2470966207, ClinGen allele CA352162627.